The following is an entry in ClinVar:

ClinVar aggregate classification (germline): Uncertain significance (1 of 4 stars; one submission).

Conditions:
SUCLA2-related disorder. Also called: SUCLA2-related condition.

Allele frequency attached by ClinVar (database versions not stated): gnomAD 0.00001; ExAC 0.00002; TOPMed 0.00002.

Submission:

PreventionGenetics, part of Exact Sciences
Classification: Uncertain significance for SUCLA2-related condition. Last evaluated: 2022-12-01. Review status: criteria provided, single submitter. Criteria: ACMG Guidelines, 2015. Collection method: clinical testing. Allele origin: germline.
Comment: The SUCLA2 c.2T>C variant is predicted to disrupt the translation initiation site (Start loss). This variant is predicted to disrupt the start codon; however, 4 codons downstream there is a potential alternative start codon (p.Met5). To our knowledge, this variant has not been reported in the literature. This variant is reported in 0.0077% of alleles in individuals of African descent in gnomAD. Although we suspect that this variant may be pathogenic, at this time, the clinical significance of this variant is uncertain due to the absence of conclusive functional and genetic evidence.

NM_003850.3(SUCLA2):c.2T>C (p.Met1Thr)

Gene: SUCLA2 (succinate-CoA ligase ADP-forming subunit beta; minus strand). Cytogenetic location: 13q14.2.
Variant type: single nucleotide variant.
Coding change: c.2T>C on transcript NM_003850.3 (MANE Select); coding-DNA position 2, T replaced by C.
Protein change: p.Met1Thr; changes the start codon (methionine 1).
Molecular consequence: missense variant, initiator codon variant.
Genome position (GRCh38, 1-based): chr13:48,001,268, A>G on the plus strand (T>C on the coding strand, the complement: SUCLA2 is on the minus strand). VCF-style: chr13-48001268-A-G. GRCh37 (hg19) VCF-style: chr13-48575404-A-G.
Other names: short protein forms M1T.
Identifiers: ClinVar variation 2629256 (VCV002629256.1), dbSNP rs766509081, ClinGen allele CA6978136.